The following is an entry in ClinVar:

NM_012079.6(DGAT1):c.982-42_982-10del

Genes: DGAT1 (diacylglycerol O-acyltransferase 1; minus strand), LOC130001383 (ATAC-STARR-seq lymphoblastoid active region 28093; plus strand). Cytogenetic location: 8q24.3.
Variant type: Deletion.
Coding change: c.982-42_982-10del on transcript NM_012079.6 (MANE Select); 42 bases into the intron before coding-DNA position 982 through 10 bases into the intron before coding-DNA position 982, 33 bases deleted.
Molecular consequence: intron variant.
Genome position (GRCh38, 1-based): chr8:144,317,455-144,317,487, 33 bases deleted. GRCh37 (hg19): chr8:145,541,118-145,541,150.
Identifiers: ClinVar variation 2177049 (VCV002177049.4), dbSNP rs1181467699, ClinGen allele CA848865337.

ClinVar aggregate classification (germline): Uncertain significance (1 of 4 stars; one submission).

Submission:

Labcorp Genetics (formerly Invitae), Labcorp
Classification: Uncertain significance. Last evaluated: 2022-04-11. Review status: criteria provided, single submitter. Criteria: Invitae Variant Classification Sherloc (09022015). Collection method: clinical testing. Allele origin: germline.
Comment: In summary, the available evidence is currently insufficient to determine the role of this variant in disease. Therefore, it has been classified as a Variant of Uncertain Significance. Algorithms developed to predict the effect of sequence changes on RNA splicing suggest that this variant may disrupt the consensus splice site. This variant has not been reported in the literature in individuals affected with DGAT1-related conditions. This sequence change falls in intron 12 of the DGAT1 gene. It does not directly change the encoded amino acid sequence of the DGAT1 protein. This variant is not present in population databases (gnomAD no frequency).